The following is an entry in ClinVar:

NM_002444.3(MSN):c.1251+1G>A

Gene: MSN (moesin; plus strand). Cytogenetic location: Xq12.
Variant type: single nucleotide variant.
Coding change: c.1251+1G>A on transcript NM_002444.3 (MANE Select); the canonical splice donor site of the intron after coding-DNA position 1251, G replaced by A.
Molecular consequence: splice donor variant.
Genome position (GRCh38, 1-based): chrX:65,737,339, G>A. VCF-style: chrX-65737339-G-A. GRCh37 (hg19) VCF-style: chrX-64957201-G-A.
Identifiers: ClinVar variation 3653117 (VCV003653117.2).

ClinVar aggregate classification (germline): Likely pathogenic (1 of 4 stars; one submission).

Submission:

Labcorp Genetics (formerly Invitae), Labcorp
Classification: Likely pathogenic. Last evaluated: 2024-05-12. Review status: criteria provided, single submitter. Criteria: Invitae Variant Classification Sherloc (09022015). Collection method: clinical testing. Allele origin: germline.
Comment: This sequence change affects a donor splice site in intron 10 of the MSN gene. It is expected to disrupt RNA splicing. Variants that disrupt the donor or acceptor splice site typically lead to a loss of protein function (PMID: 16199547), and loss-of-function variants in MSN are known to be pathogenic (PMID: 27405666). This variant is not present in population databases (gnomAD no frequency). This variant has not been reported in the literature in individuals affected with MSN-related conditions. Algorithms developed to predict the effect of sequence changes on RNA splicing suggest that this variant may disrupt the consensus splice site. In summary, the currently available evidence indicates that the variant is pathogenic, but additional data are needed to prove that conclusively. Therefore, this variant has been classified as Likely Pathogenic.

Literature cited by the submitters: PubMed 16199547; PubMed 27405666.